The following is an entry in ClinVar:

NM_002076.4(GNS):c.850T>C (p.Phe284Leu)

Gene: GNS (glucosamine (N-acetyl)-6-sulfatase; minus strand). Cytogenetic location: 12q14.3.
Variant type: single nucleotide variant.
Coding change: c.850T>C on transcript NM_002076.4 (MANE Select); coding-DNA position 850, T replaced by C.
Protein change: p.Phe284Leu; replaces phenylalanine 284 with leucine.
Molecular consequence: missense variant.
Genome position (GRCh38, 1-based): chr12:64,740,631, A>G on the plus strand (T>C on the coding strand, the complement: GNS is on the minus strand). VCF-style: chr12-64740631-A-G. GRCh37 (hg19) VCF-style: chr12-65134411-A-G.
Other names: short protein forms F284L.
Identifiers: ClinVar variation 990670 (VCV000990670.3), dbSNP rs978501400, ClinGen allele CA238287946.
Genomic context (GRCh38, chr12:64,740,631, plus strand): 5'-AACCACTCAGATTGTTATGTAGCAGCAGCTCTTACCTTTTCCTAAATGCATTATCTAAAA[A>G]CTGTATTGAAGAATTAGTCATTGGAGTCTTGGCTTGCCTAATTAACCAGTGCTTGTTCTA-3'
Protein context (NP_002067.1, residues 274-294): KTPMTNSSIQ[Phe284Leu]LDNAFRKRWQ

ClinVar aggregate classification (germline): Uncertain significance. Review status: criteria provided, single submitter (1 of 4 stars). 2 submissions from 2 submitters: Uncertain significance (1). 1 of the submissions does not count toward it. Last evaluated 2022-05-29.

Conditions:
Sanfilippo syndrome. Also called: Mucopolysaccharidosis type 3; Sanfilippo disease; Mucopolysaccharidosis Type III. Identifiers: Orphanet 581, MedGen C0026706, MONDO:0018937.
Mucopolysaccharidosis, MPS-III-D (MPS3D). Also called: MPS IIID (Sanfilippo Syndrome Type D); N-ACETYLGLUCOSAMINE-6-SULFATASE DEFICIENCY; MUCOPOLYSACCHARIDOSIS, TYPE IIID; SANFILIPPO SYNDROME D; MPS III D; Mucopoly-saccharidosis type 3D. Identifiers: Orphanet 581, Orphanet 79272, MedGen C0086650, MONDO:0009658, OMIM 252940.

Allele frequency attached by ClinVar (database versions not stated): gnomAD exomes below 0.00001; gnomAD 0.00001 and 0.00002; TOPMed 0.00001.
gnomAD v4.1: 8 of 1,575,324 alleles (0.00051%); highest among the groups gnomAD compares: Admixed American, 0.0067%; no homozygotes.

Submissions (2):

Labcorp Genetics (formerly Invitae), Labcorp
Classification: Uncertain significance for Mucopolysaccharidosis, MPS-III-D. Last evaluated: 2022-05-29. Review status: criteria provided, single submitter. Criteria: Invitae Variant Classification Sherloc (09022015). Collection method: clinical testing. Allele origin: germline.
Comment: This sequence change replaces phenylalanine, which is neutral and non-polar, with leucine, which is neutral and non-polar, at codon 284 of the GNS protein (p.Phe284Leu). This variant is present in population databases (no rsID available, gnomAD 0.006%). This variant has not been reported in the literature in individuals affected with GNS-related conditions. ClinVar contains an entry for this variant (Variation ID: 990670). Algorithms developed to predict the effect of missense changes on protein structure and function (SIFT, PolyPhen-2, Align-GVGD) all suggest that this variant is likely to be tolerated. In summary, the available evidence is currently insufficient to determine the role of this variant in disease. Therefore, it has been classified as a Variant of Uncertain Significance.

Natera, Inc.
Classification: Uncertain significance for Sanfilippo disease. Last evaluated: 2020-05-19. Review status: no assertion criteria provided. Collection method: clinical testing. Allele origin: germline. Not counted in ClinVar's aggregate classification.